The following is an entry in ClinVar:

NM_206933.4(USH2A):c.1558T>C (p.Cys520Arg)

Gene: USH2A (usherin; minus strand). Cytogenetic location: 1q41.
Variant type: single nucleotide variant.
Coding change: c.1558T>C on transcript NM_206933.4 (MANE Select); coding-DNA position 1558, T replaced by C.
Protein change: p.Cys520Arg; replaces cysteine 520 with arginine.
Molecular consequence: missense variant.
Genome position (GRCh38, 1-based): chr1:216,321,969, A>G on the plus strand (T>C on the coding strand, the complement: USH2A is on the minus strand). VCF-style: chr1-216321969-A-G. GRCh37 (hg19) VCF-style: chr1-216495311-A-G.
Other names: c.1558T>C, p.Cys520Arg (NM_007123.6); short protein forms C520R.
Identifiers: ClinVar variation 3248688 (VCV003248688.3).

ClinVar aggregate classification (germline): Conflicting classifications of pathogenicity. Review status: criteria provided, conflicting classifications (1 of 4 stars). 2 submissions from 2 submitters: Likely pathogenic (1); Uncertain significance (1). Last evaluated 2025-01-31.

Conditions:
Retinal dystrophy. Also called: Inherited retinal dystrophy. Identifiers: Orphanet 71862, MedGen C0854723, MeSH D058499, MONDO:0019118, HP:0000556.

Submissions (2):

Women's Health and Genetics/Laboratory Corporation of America, LabCorp
Classification: Uncertain significance. Last evaluated: 2025-01-31. Review status: criteria provided, single submitter. Criteria: LabCorp Variant Classification Summary - May 2015. Collection method: clinical testing. Allele origin: germline.
Comment: Variant summary: USH2A c.1558T>C (p.Cys520Arg) results in a non-conservative amino acid change located in the Laminin-type epidermal growth factor-like domain (IPR002049) of the encoded protein sequence. Five of five in-silico tools predict a damaging effect of the variant on protein function. The variant was absent in 250942 control chromosomes (gnomAD). c.1558T>C has been reported in the homozygous state in at least 1 individual in the literature affected with Usher Syndrome (example, Bonnet_2016, Krawitz_2014). These data indicate that the variant may be associated with disease. To our knowledge, no experimental evidence demonstrating an impact on protein function has been reported. The following publications have been ascertained in the context of this evaluation (PMID: 27460420, 25333064). ClinVar contains an entry for this variant (Variation ID: 3248688). Based on the evidence outlined above, the variant was classified as VUS-possibly pathogenic.

Institute of Human Genetics, Univ. Regensburg, Univ. Regensburg
Classification: Likely pathogenic for Retinal dystrophy. Last evaluated: 2019-01-01. Review status: criteria provided, single submitter. Criteria: ACMG Guidelines, 2015. Collection method: clinical testing. Allele origin: germline. Affected: yes.

Literature cited by the submitters: PubMed 27460420 (cited by Women's Health and Genetics/Laboratory Corporation of America, LabCorp); PubMed 25333064 (cited by Women's Health and Genetics/Laboratory Corporation of America, LabCorp and Institute of Human Genetics, Univ. Regensburg, Univ. Regensburg).